The following is an entry in ClinVar:

ClinVar aggregate classification (germline): Pathogenic/Likely pathogenic. Review status: criteria provided, multiple submitters, no conflicts (2 of 4 stars). 3 submissions from 3 submitters: Pathogenic (1); Likely pathogenic (2). Last evaluated 2024-12-15.

Conditions:
DNAH1-related disorders.
Spermatogenic failure 18. Identifiers: MedGen C4539783, MONDO:0054615, OMIM 617576.
Ciliary dyskinesia, primary, 37 (CILD37). Also called: CILIARY DYSKINESIA, PRIMARY, 37, WITH OR WITHOUT SITUS INVERSUS. Identifiers: MedGen C4539798, MONDO:0033204, OMIM 617577.

Allele frequency attached by ClinVar (database versions not stated): gnomAD 0.00001 and 0.00002; ExAC 0.00003; gnomAD exomes 0.00003 and 0.00005; TOPMed 0.00003.

Submissions (3):

Labcorp Genetics (formerly Invitae), Labcorp
Classification: Pathogenic for Ciliary dyskinesia, primary, 37; Spermatogenic failure 18. Last evaluated: 2024-12-15. Review status: criteria provided, single submitter. Criteria: Invitae Variant Classification Sherloc (09022015). Collection method: clinical testing. Allele origin: germline.
Comment: This sequence change creates a premature translational stop signal (p.Val2559Alafs*7) in the DNAH1 gene. It is expected to result in an absent or disrupted protein product. Loss-of-function variants in DNAH1 are known to be pathogenic (PMID: 27573432, 27798045). This variant is present in population databases (rs765417610, gnomAD 0.004%). This variant has not been reported in the literature in individuals affected with DNAH1-related conditions. ClinVar contains an entry for this variant (Variation ID: 544627). For these reasons, this variant has been classified as Pathogenic.

Blueprint Genetics
Classification: Likely pathogenic for DNAH1-related disorders. Last evaluated: 2023-11-30. Review status: criteria provided, single submitter. Criteria: ACMG Guidelines, 2015. Collection method: clinical testing. Allele origin: germline. Affected: yes. Observed: 2 variant alleles.

Fulgent Genetics
Classification: Likely pathogenic for Spermatogenic failure 18; Ciliary dyskinesia, primary, 37. Last evaluated: 2022-04-29. Review status: criteria provided, single submitter. Criteria: ACMG Guidelines, 2015. Collection method: clinical testing. Allele origin: unknown.

Literature cited by the submitters: PubMed 27573432 (cited by Labcorp Genetics (formerly Invitae), Labcorp); PubMed 27798045 (cited by Labcorp Genetics (formerly Invitae), Labcorp).

NM_015512.5(DNAH1):c.7676del (p.Val2559fs)

Gene: DNAH1 (dynein axonemal heavy chain 1; plus strand). Cytogenetic location: 3p21.1.
Variant type: Deletion.
Coding change: c.7676del on transcript NM_015512.5 (MANE Select); coding-DNA position 7676, one base deleted (T; older notation c.7676delT).
Protein change: p.Val2559fs; shifts the reading frame from valine 2559.
Molecular consequence: frameshift variant.
Genome position (GRCh38, 1-based): chr3:52,381,707, T deleted. VCF-style (leftmost placement, unchanged base first): chr3-52381706-GT-G. GRCh37 (hg19) VCF-style: chr3-52415722-GT-G.
Other names: short protein forms V2559fs.
Identifiers: ClinVar variation 544627 (VCV000544627.8), dbSNP rs765417610, ClinGen allele CA2434948.